The following is an entry in ClinVar:

ClinVar aggregate classification (germline): Conflicting classifications of pathogenicity. Review status: criteria provided, conflicting classifications (1 of 4 stars). 2 submissions from 2 submitters: Uncertain significance (1); Likely benign (1). Last evaluated 2025-11-04.

Conditions:
Inborn genetic diseases. Identifiers: MedGen C0950123, MeSH D030342.

Allele frequency attached by ClinVar (database versions not stated): TOPMed 0.00001; gnomAD exomes 0.00002; ExAC 0.00005.
gnomAD v4.1: 30 of 1,614,226 alleles (0.0019%); highest among the groups gnomAD compares: South Asian, 0.025%; no homozygotes.

Submissions (2):

Labcorp Genetics (formerly Invitae), Labcorp
Classification: Uncertain significance. Last evaluated: 2025-11-04. Review status: criteria provided, single submitter. Criteria: Invitae Variant Classification Sherloc (09022015). Collection method: clinical testing. Allele origin: germline.
Comment: This sequence change replaces serine, which is neutral and polar, with isoleucine, which is neutral and non-polar, at codon 2652 of the KMT2A protein (p.Ser2652Ile). This variant is present in population databases (rs782497028, gnomAD 0.03%). This variant has not been reported in the literature in individuals affected with KMT2A-related conditions. ClinVar contains an entry for this variant (Variation ID: 2159954). Invitae Evidence Modeling of protein sequence and biophysical properties (such as structural, functional, and spatial information, amino acid conservation, physicochemical variation, residue mobility, and thermodynamic stability) indicates that this missense variant is not expected to disrupt KMT2A protein function with a negative predictive value of 95%. In summary, the available evidence is currently insufficient to determine the role of this variant in disease. Therefore, it has been classified as a Variant of Uncertain Significance.

Ambry Genetics
Classification: Likely benign for Inborn genetic diseases. Last evaluated: 2024-01-30. Review status: criteria provided, single submitter. Criteria: Ambry Variant Classification Scheme 2023. Collection method: clinical testing. Allele origin: germline.

NM_001197104.2(KMT2A):c.7955G>T (p.Ser2652Ile)

Gene: KMT2A (lysine methyltransferase 2A; plus strand). Cytogenetic location: 11q23.3.
Variant type: single nucleotide variant.
Coding change: c.7955G>T on transcript NM_001197104.2 (MANE Select); coding-DNA position 7955, G replaced by T.
Protein change: p.Ser2652Ile; replaces serine 2652 with isoleucine.
Molecular consequence: missense variant.
Genome position (GRCh38, 1-based): chr11:118,503,847, G>T. VCF-style: chr11-118503847-G-T. GRCh37 (hg19) VCF-style: chr11-118374562-G-T.
Other names: c.8045G>T, p.Ser2682Ile (NM_001412597.1); c.7946G>T, p.Ser2649Ile (NM_005933.4); short protein forms S2649I, S2652I, S2682I.
Identifiers: ClinVar variation 2159954 (VCV002159954.5), dbSNP rs782497028, ClinGen allele CA6304443.
Genomic context (GRCh38, chr11:118,503,847, plus strand): 5'-TTGGGCTTACCCCACTCTATGGAGTAAGATCCTATGGTGAAGAAGACATTCCATTCTACA[G>T]CAGCTCAACTGGGAAGAAGCGAGGCAAGAGATCAGCTGAAGGACAGGTGGATGGGGCCGA-3'
Protein context (NP_001184033.1, residues 2642-2662): SYGEEDIPFY[Ser2652Ile]SSTGKKRGKR